The following is an entry in ClinVar:

ClinVar aggregate classification (germline): Uncertain significance (1 of 4 stars; one submission).

Conditions:
Kabuki syndrome. Also called: NIIKAWA-KUROKI SYNDROME; Kabuki make-up syndrome. Identifiers: Orphanet 2322, MedGen C0796004, MONDO:0016512.

Submission:

Labcorp Genetics (formerly Invitae), Labcorp
Classification: Uncertain significance for Kabuki syndrome. Last evaluated: 2025-12-30. Review status: criteria provided, single submitter. Criteria: Invitae Variant Classification Sherloc (09022015). Collection method: clinical testing. Allele origin: germline.
Comment: This sequence change replaces serine, which is neutral and polar, with isoleucine, which is neutral and non-polar, at codon 3884 of the KMT2D protein (p.Ser3884Ile). This variant is not present in population databases (gnomAD no frequency). This variant has not been reported in the literature in individuals affected with KMT2D-related conditions. Invitae Evidence Modeling of protein sequence and biophysical properties (such as structural, functional, and spatial information, amino acid conservation, physicochemical variation, residue mobility, and thermodynamic stability) indicates that this missense variant is not expected to disrupt KMT2D protein function with a negative predictive value of 95%. In summary, the available evidence is currently insufficient to determine the role of this variant in disease. Therefore, it has been classified as a Variant of Uncertain Significance.

NM_003482.4(KMT2D):c.11651G>T (p.Ser3884Ile)

Gene: KMT2D (lysine methyltransferase 2D; minus strand). Cytogenetic location: 12q13.12.
Variant type: single nucleotide variant.
Coding change: c.11651G>T on transcript NM_003482.4 (MANE Select); coding-DNA position 11651, G replaced by T.
Protein change: p.Ser3884Ile; replaces serine 3884 with isoleucine.
Molecular consequence: missense variant.
Genome position (GRCh38, 1-based): chr12:49,033,054, C>A on the plus strand (G>T on the coding strand, the complement: KMT2D is on the minus strand). VCF-style: chr12-49033054-C-A. GRCh37 (hg19) VCF-style: chr12-49426837-C-A.
Other names: short protein forms S3884I.
Identifiers: ClinVar variation 4801202 (VCV004801202.1).